The following is an entry in ClinVar:

NM_032043.3(BRIP1):c.206-16G>A

Gene: BRIP1 (BRCA1 interacting DNA helicase 1; minus strand). Cytogenetic location: 17q23.2.
Variant type: single nucleotide variant.
Coding change: c.206-16G>A on transcript NM_032043.3 (MANE Select); 16 bases into the intron before coding-DNA position 206, G replaced by A.
Molecular consequence: intron variant.
Genome position (GRCh38, 1-based): chr17:61,857,247, C>T on the plus strand (G>A on the coding strand, the complement: BRIP1 is on the minus strand). VCF-style: chr17-61857247-C-T. GRCh37 (hg19) VCF-style: chr17-59934608-C-T.
Identifiers: ClinVar variation 2933877 (VCV002933877.4), dbSNP rs2545461402, ClinGen allele CA2740093876.

ClinVar aggregate classification (germline): Likely benign. Review status: criteria provided, multiple submitters, no conflicts (2 of 4 stars). 2 submissions from 2 submitters: Likely benign (2). Last evaluated 2025-07-03.

Conditions:
Fanconi anemia complementation group J. Also called: BRIP1-Related Fanconi Anemia. Identifiers: Orphanet 84, MedGen C1836860, MONDO:0012187, OMIM 609054.
Familial cancer of breast. Also called: BREAST CANCER, FAMILIAL; Hereditary breast cancer; hereditary breast carcinoma. Identifiers: Orphanet 227535, MedGen C0346153, MONDO:0016419, OMIM 114480. Disease mechanism: loss of function.

Submissions (2):

Labcorp Genetics (formerly Invitae), Labcorp
Classification: Likely benign for Familial cancer of breast; Fanconi anemia complementation group J. Last evaluated: 2025-07-03. Review status: criteria provided, single submitter. Criteria: Invitae Variant Classification Sherloc (09022015). Collection method: clinical testing. Allele origin: germline.

Myriad Genetics, Inc.
Classification: Likely benign for Familial cancer of breast. Last evaluated: 2024-08-09. Review status: criteria provided, single submitter. Criteria: Myriad Autosomal Dominant, Autosomal Recessive and X-Linked Classification Criteria (2023). Collection method: clinical testing. Allele origin: unknown.
Comment: This variant is considered likely benign. This variant is intronic and is not expected to impact mRNA splicing.